The following is an entry in ClinVar:

NC_000009.11:g.(?_79814841)_(79867288_?)del

Gene: VPS13A (vacuolar protein sorting 13 homolog A; plus strand). Cytogenetic location: 9q21.2.
Variant type: Deletion.
Identifiers: ClinVar variation 2427127 (VCV002427127.4).

ClinVar aggregate classification (germline): Pathogenic (1 of 4 stars; one submission).

Submission:

Labcorp Genetics (formerly Invitae), Labcorp
Classification: Pathogenic. Last evaluated: 2022-07-26. Review status: criteria provided, single submitter. Criteria: Invitae Variant Classification Sherloc (09022015). Collection method: clinical testing. Allele origin: germline.
Comment: This variant is a gross deletion of the genomic region encompassing exon(s) 2-22 of the VPS13A gene. This deletion is out-of-frame, and is expected to create a premature termination codon and result in an absent or disrupted protein product. Loss-of-function variants in VPS13A are known to be pathogenic (PMID: 12404112, 21598378). This variant has not been reported in the literature in individuals affected with VPS13A-related conditions. For these reasons, this variant has been classified as Pathogenic.

Literature cited by the submitters: PubMed 12404112; PubMed 21598378.